The following is an entry in ClinVar:

NM_001276270.2(MBD4):c.1592T>C (p.Ile531Thr)

Gene: MBD4 (methyl-CpG binding domain 4, DNA glycosylase; minus strand). Cytogenetic location: 3q21.3.
Variant type: single nucleotide variant.
Coding change: c.1592T>C on transcript NM_001276270.2 (MANE Select); coding-DNA position 1592, T replaced by C.
Protein change: p.Ile531Thr; replaces isoleucine 531 with threonine.
Molecular consequence: missense variant.
Genome position (GRCh38, 1-based): chr3:129,432,558, A>G on the plus strand (T>C on the coding strand, the complement: MBD4 is on the minus strand). VCF-style: chr3-129432558-A-G. GRCh37 (hg19) VCF-style: chr3-129151401-A-G.
Other names: c.1610T>C, p.Ile537Thr (NM_001276271.2, NM_001276272.2, NM_003925.3); c.656T>C, p.Ile219Thr (NM_001276273.2); short protein forms I219T, I537T, I531T.
Identifiers: ClinVar variation 3684564 (VCV003684564.3).

ClinVar aggregate classification (germline): Uncertain significance. Review status: criteria provided, multiple submitters, no conflicts (2 of 4 stars). 2 submissions from 2 submitters: Uncertain significance (2). Last evaluated 2025-04-29.

Conditions:
Inborn genetic diseases. Identifiers: MedGen C0950123, MeSH D030342.

Submissions (2):

Ambry Genetics
Classification: Uncertain significance for Inborn genetic diseases. Last evaluated: 2025-04-29. Review status: criteria provided, single submitter. Criteria: Ambry Variant Classification Scheme 2023. Collection method: clinical testing. Allele origin: germline.
Comment: The p.I531T variant (also known as c.1592T>C), located in coding exon 7 of the MBD4 gene, results from a T to C substitution at nucleotide position 1592. The isoleucine at codon 531 is replaced by threonine, an amino acid with similar properties. This amino acid position is conserved. In addition, this alteration is predicted to be deleterious by in silico analysis. Based on the available evidence, the clinical significance of this variant remains unclear.

Labcorp Genetics (formerly Invitae), Labcorp
Classification: Uncertain significance. Last evaluated: 2025-04-20. Review status: criteria provided, single submitter. Criteria: Invitae Variant Classification Sherloc (09022015). Collection method: clinical testing. Allele origin: germline.
Comment: This sequence change replaces isoleucine, which is neutral and non-polar, with threonine, which is neutral and polar, at codon 537 of the MBD4 protein (p.Ile537Thr). This variant is not present in population databases (gnomAD no frequency). This variant has not been reported in the literature in individuals affected with MBD4-related conditions. ClinVar contains an entry for this variant (Variation ID: 3684564). An algorithm developed to predict the effect of missense changes on protein structure and function (PolyPhen-2) suggests that this variant is likely to be disruptive. In summary, the available evidence is currently insufficient to determine the role of this variant in disease. Therefore, it has been classified as a Variant of Uncertain Significance.